The following is an entry in ClinVar:

NM_000257.4(MYH7):c.3305G>A (p.Ser1102Asn)

Gene: MYH7 (myosin heavy chain 7; minus strand). Cytogenetic location: 14q11.2.
Variant type: single nucleotide variant.
Coding change: c.3305G>A on transcript NM_000257.4 (MANE Select); coding-DNA position 3305, G replaced by A.
Protein change: p.Ser1102Asn; replaces serine 1102 with asparagine.
Molecular consequence: missense variant.
Genome position (GRCh38, 1-based): chr14:23,420,989, C>T on the plus strand (G>A on the coding strand, the complement: MYH7 is on the minus strand). VCF-style: chr14-23420989-C-T. GRCh37 (hg19) VCF-style: chr14-23890198-C-T.
Other names: c.3305G>A, p.Ser1102Asn (NM_001407004.1); short protein forms S1102N.
Identifiers: ClinVar variation 2973861 (VCV002973861.4), dbSNP rs2502267986, ClinGen allele CA389044395.
Genomic context (GRCh38, chr14:23,420,989, plus strand): 5'-AGCATCCCGCGTGGGTGTCCAGACCTCACCTGAAGCTCCTTGAGCTTCTTCTGCAGCTGG[C>T]TGCCGAGGGCCTGTTCATCCTCAATCCTTGCGTTGAGAGCATTCAGCTCAAAGTCTTTTC-3'
Protein context (NP_000248.2, residues 1092-1112): ARIEDEQALG[Ser1102Asn]QLQKKLKELQ

ClinVar aggregate classification (germline): Conflicting classifications of pathogenicity. Review status: criteria provided, conflicting classifications (1 of 4 stars). 2 submissions from 2 submitters: Uncertain significance (1); Likely benign (1). Last evaluated 2025-06-05.

Conditions:
Cardiovascular phenotype. Identifiers: MedGen CN230736.
Hypertrophic cardiomyopathy. Also called: HYPERTROPHIC MYOCARDIOPATHY. Identifiers: Orphanet 217569, MedGen C0007194, MeSH D002312, MONDO:0005045, HP:0001639.

Submissions (2):

Labcorp Genetics (formerly Invitae), Labcorp
Classification: Uncertain significance for Hypertrophic cardiomyopathy. Last evaluated: 2025-06-05. Review status: criteria provided, single submitter. Criteria: Invitae Variant Classification Sherloc (09022015). Collection method: clinical testing. Allele origin: germline.
Comment: This sequence change replaces serine, which is neutral and polar, with asparagine, which is neutral and polar, at codon 1102 of the MYH7 protein (p.Ser1102Asn). This variant is not present in population databases (gnomAD no frequency). This variant has not been reported in the literature in individuals affected with MYH7-related conditions. ClinVar contains an entry for this variant (Variation ID: 2973861). Invitae Evidence Modeling of protein sequence and biophysical properties (such as structural, functional, and spatial information, amino acid conservation, physicochemical variation, residue mobility, and thermodynamic stability) indicates that this missense variant is not expected to disrupt MYH7 protein function with a negative predictive value of 95%. In summary, the available evidence is currently insufficient to determine the role of this variant in disease. Therefore, it has been classified as a Variant of Uncertain Significance.

Ambry Genetics
Classification: Likely benign for Cardiovascular phenotype. Last evaluated: 2024-10-11. Review status: criteria provided, single submitter. Criteria: Ambry Variant Classification Scheme 2023. Collection method: clinical testing. Allele origin: germline.